The following is an entry in ClinVar:

NM_001378328.1(CELSR1):c.1250G>T (p.Arg417Leu)

Gene: CELSR1 (cadherin EGF LAG seven-pass G-type receptor 1; minus strand). Cytogenetic location: 22q13.31.
Variant type: single nucleotide variant.
Coding change: c.1250G>T on transcript NM_001378328.1 (MANE Select); coding-DNA position 1250, G replaced by T.
Protein change: p.Arg417Leu; replaces arginine 417 with leucine.
Molecular consequence: missense variant.
Genome position (GRCh38, 1-based): chr22:46,535,921, C>A on the plus strand (G>T on the coding strand, the complement: CELSR1 is on the minus strand). VCF-style: chr22-46535921-C-A. GRCh37 (hg19) VCF-style: chr22-46931818-C-A.
Other names: c.1250G>T, p.Arg417Leu (NM_014246.4); short protein forms R417L.
Identifiers: ClinVar variation 1712585 (VCV001712585.4), dbSNP rs1297380853, ClinGen allele CA411950449.

ClinVar aggregate classification (germline): Uncertain significance (1 of 4 stars; one submission).

gnomAD v4.1: 1 of 1,609,196 alleles (0.000062%); highest among the groups gnomAD compares: East Asian, 0.0022%; no homozygotes.

Submission:

GeneDx
Classification: Uncertain significance. Last evaluated: 2026-10-10. Review status: criteria provided, single submitter. Criteria: GeneDx Variant Classification Process June 2021. Collection method: clinical testing. Allele origin: germline.
Comment: Not observed at significant frequency in large population cohorts (gnomAD); In silico analysis supports that this missense variant has a deleterious effect on protein structure/function; Has not been previously published as pathogenic or benign to our knowledge